The following is an entry in ClinVar:

NM_001375524.1(TRRAP):c.5726T>C (p.Leu1909Pro)

Gene: TRRAP (transformation/transcription domain associated protein; plus strand). Cytogenetic location: 7q22.1.
Variant type: single nucleotide variant.
Coding change: c.5726T>C on transcript NM_001375524.1 (MANE Select); coding-DNA position 5726, T replaced by C.
Protein change: p.Leu1909Pro; replaces leucine 1909 with proline.
Molecular consequence: missense variant.
Genome position (GRCh38, 1-based): chr7:98,953,429, T>C. VCF-style: chr7-98953429-T-C. GRCh37 (hg19) VCF-style: chr7-98551052-T-C.
Other names: c.5705T>C, p.Leu1902Pro (NM_001244580.2); c.5651T>C, p.Leu1884Pro (NM_003496.4); short protein forms L1884P, L1902P, L1909P.
Identifiers: ClinVar variation 4855311 (VCV004855311.1).
Genomic context (GRCh38, chr7:98,953,429, plus strand): 5'-GCGGACACTTGCTCCTGGCGCACATTATCGCCAAATTCGCCATACACAAGAAGATCGTCC[T>C]GCAGGTATTTTGCAAGCCCCTCCTGTCCGCCGACATCAGCGTGAATCTCACATGGTGCAC-3'
Protein context (NP_001362453.1, residues 1899-1919): AKFAIHKKIV[Leu1909Pro]QVFHSLLKAH

ClinVar aggregate classification (germline): Uncertain significance (1 of 4 stars; one submission).

Conditions:
Developmental delay with or without dysmorphic facies and autism. Identifiers: MedGen C5193106, MONDO:0032760, OMIM 618454.

Submission:

3billion
Classification: Uncertain significance for Developmental delay with or without dysmorphic facies and autism. Last evaluated: 2025-07-30. Review status: criteria provided, single submitter. Criteria: ACMG Guidelines, 2015. Collection method: clinical testing. Allele origin: germline. Affected: yes.
Comment: The variant is not observed in the gnomAD v4.1.0 dataset. Predicted Consequence/Location: Missense variant. Missense changes are a common disease-causing mechanism. In silico tool predictions suggest damaging effect of the variant on gene or gene product [REVEL: 0.77 (>=0.6, sensitivity 0.68 and specificity 0.92); 3Cnet: 0.88 (> 0.75, sensitivity 0.96 and precision 0.92)]. A different missense change at the same codon (p.Leu1909Arg) has been reported to be associated with TRRAP-related disorder (ClinVar ID: VCV001805775). Therefore, this variant is classified as VUS according to the recommendation of ACMG/AMP guideline.